The following is an entry in ClinVar:

ClinVar aggregate classification (germline): Uncertain significance (1 of 4 stars; one submission).

Conditions:
Brugada syndrome 8 (BRGDA8). Identifiers: Orphanet 130, MedGen C2751083, MONDO:0013148, OMIM 613123.

Allele frequency attached by ClinVar (database versions not stated): gnomAD exomes below 0.00001.
gnomAD v4.1: 1 of 1,601,122 alleles (0.000062%); highest among the groups gnomAD compares: African/African-American, 0.0013%; no homozygotes.

Submission:

Labcorp Genetics (formerly Invitae), Labcorp
Classification: Uncertain significance for Brugada syndrome 8. Last evaluated: 2024-01-28. Review status: criteria provided, single submitter. Criteria: Invitae Variant Classification Sherloc (09022015). Collection method: clinical testing. Allele origin: germline.
Comment: This sequence change replaces glycine, which is neutral and non-polar, with arginine, which is basic and polar, at codon 838 of the HCN4 protein (p.Gly838Arg). This variant is not present in population databases (gnomAD no frequency). This variant has not been reported in the literature in individuals affected with HCN4-related conditions. Advanced modeling of protein sequence and biophysical properties (such as structural, functional, and spatial information, amino acid conservation, physicochemical variation, residue mobility, and thermodynamic stability) performed at Invitae indicates that this missense variant is not expected to disrupt HCN4 protein function with a negative predictive value of 80%. In summary, the available evidence is currently insufficient to determine the role of this variant in disease. Therefore, it has been classified as a Variant of Uncertain Significance.

NM_005477.3(HCN4):c.2512G>C (p.Gly838Arg)

Gene: HCN4 (hyperpolarization activated cyclic nucleotide gated potassium channel 4; minus strand). Cytogenetic location: 15q24.1.
Variant type: single nucleotide variant.
Coding change: c.2512G>C on transcript NM_005477.3 (MANE Select); coding-DNA position 2512, G replaced by C.
Protein change: p.Gly838Arg; replaces glycine 838 with arginine.
Molecular consequence: missense variant.
Genome position (GRCh38, 1-based): chr15:73,323,581, C>G on the plus strand (G>C on the coding strand, the complement: HCN4 is on the minus strand). VCF-style: chr15-73323581-C-G. GRCh37 (hg19) VCF-style: chr15-73615922-C-G.
Other names: short protein forms G838R.
Identifiers: ClinVar variation 2728797 (VCV002728797.3), dbSNP rs2549068922, ClinGen allele CA393088752.